The following is an entry in ClinVar:

ClinVar aggregate classification (germline): Likely benign (1 of 4 stars; one submission).

Submission:

GeneDx
Classification: Likely benign. Last evaluated: 2016-08-24. Review status: criteria provided, single submitter. Criteria: GeneDx Variant Classification (06012015). Collection method: clinical testing. Allele origin: germline. Affected: yes.
Comment: This variant is considered likely benign or benign based on one or more of the following criteria: it is a conservative change, it occurs at a poorly conserved position in the protein, it is predicted to be benign by multiple in silico algorithms, and/or has population frequency not consistent with disease.

NM_002880.4(RAF1):c.681-5C>G

Gene: RAF1 (Raf-1 proto-oncogene, serine/threonine kinase; minus strand). Cytogenetic location: 3p25.2.
Variant type: single nucleotide variant.
Coding change: c.681-5C>G on transcript NM_002880.4 (MANE Select); 5 bases into the intron before coding-DNA position 681, C replaced by G.
Molecular consequence: intron variant.
Genome position (GRCh38, 1-based): chr3:12,604,294, G>C on the plus strand (C>G on the coding strand, the complement: RAF1 is on the minus strand). VCF-style: chr3-12604294-G-C. GRCh37 (hg19) VCF-style: chr3-12645793-G-C.
Other names: c.339-5C>G (NM_001354695.3); c.438-5C>G (NM_001354692.3, NM_001354694.3, NM_001354691.3); c.582-5C>G (NM_001354693.3); c.681-5C>G (NM_001354689.3, NM_001354690.3).
Identifiers: ClinVar variation 388632 (VCV000388632.1), dbSNP rs1057523180, ClinGen allele CA16604446.